The following is an entry in ClinVar:

NM_001130823.3(DNMT1):c.2963A>G (p.His988Arg)

Gene: DNMT1 (DNA methyltransferase 1; minus strand). Cytogenetic location: 19p13.2.
Variant type: single nucleotide variant.
Coding change: c.2963A>G on transcript NM_001130823.3 (MANE Select); coding-DNA position 2963, A replaced by G.
Protein change: p.His988Arg; replaces histidine 988 with arginine.
Molecular consequence: missense variant.
Genome position (GRCh38, 1-based): chr19:10,143,919, T>C on the plus strand (A>G on the coding strand, the complement: DNMT1 is on the minus strand). VCF-style: chr19-10143919-T-C. GRCh37 (hg19) VCF-style: chr19-10254595-T-C.
Other names: c.2915A>G, p.His972Arg (NM_001318730.2, NM_001379.4); c.2600A>G, p.His867Arg (NM_001318731.2); short protein forms H867R, H972R, H988R.
Identifiers: ClinVar variation 4803652 (VCV004803652.1).

ClinVar aggregate classification (germline): Uncertain significance (1 of 4 stars; one submission).

Conditions:
Hereditary sensory neuropathy-deafness-dementia syndrome. Also called: Hereditary sensory neuropathy type IE; NEUROPATHY, HEREDITARY SENSORY, WITH HEARING LOSS AND DEMENTIA; Hereditary Sensory and Autonomic Neuropathy Type 1E (HSAN1E); HSN IE. Identifiers: Orphanet 456318, MedGen C3279885, MONDO:0013584, OMIM 614116.

Submission:

Labcorp Genetics (formerly Invitae), Labcorp
Classification: Uncertain significance for Hereditary sensory neuropathy-deafness-dementia syndrome. Last evaluated: 2025-07-29. Review status: criteria provided, single submitter. Criteria: Invitae Variant Classification Sherloc (09022015). Collection method: clinical testing. Allele origin: germline.
Comment: This sequence change replaces histidine, which is basic and polar, with arginine, which is basic and polar, at codon 988 of the DNMT1 protein (p.His988Arg). This variant is not present in population databases (gnomAD no frequency). This variant has not been reported in the literature in individuals affected with DNMT1-related conditions. Invitae Evidence Modeling of protein sequence and biophysical properties (such as structural, functional, and spatial information, amino acid conservation, physicochemical variation, residue mobility, and thermodynamic stability) indicates that this missense variant is not expected to disrupt DNMT1 protein function with a negative predictive value of 80%. In summary, the available evidence is currently insufficient to determine the role of this variant in disease. Therefore, it has been classified as a Variant of Uncertain Significance.